The following is an entry in ClinVar:

NM_032043.3(BRIP1):c.2906-3T>A

Gene: BRIP1 (BRCA1 interacting DNA helicase 1; minus strand). Cytogenetic location: 17q23.2.
Variant type: single nucleotide variant.
Coding change: c.2906-3T>A on transcript NM_032043.3 (MANE Select); 3 bases into the intron before coding-DNA position 2906, T replaced by A.
Molecular consequence: intron variant.
Genome position (GRCh38, 1-based): chr17:61,684,143, A>T on the plus strand (T>A on the coding strand, the complement: BRIP1 is on the minus strand). VCF-style: chr17-61684143-A-T. GRCh37 (hg19) VCF-style: chr17-59761504-A-T.
Identifiers: ClinVar variation 1463514 (VCV001463514.10), dbSNP rs370819200, ClinGen allele CA8690424.

ClinVar aggregate classification (germline): Uncertain significance. Review status: criteria provided, multiple submitters, no conflicts (2 of 4 stars). 2 submissions from 2 submitters: Uncertain significance (2). Last evaluated 2025-05-14.

Conditions:
Familial cancer of breast. Also called: Hereditary breast cancer; BREAST CANCER, FAMILIAL; hereditary breast carcinoma. Identifiers: Orphanet 227535, MedGen C0346153, MONDO:0016419, OMIM 114480. Disease mechanism: loss of function.
Fanconi anemia complementation group J. Also called: BRIP1-Related Fanconi Anemia. Identifiers: Orphanet 84, MedGen C1836860, MONDO:0012187, OMIM 609054.
Hereditary cancer-predisposing syndrome. Also called: Neoplastic Syndromes, Hereditary; Hereditary Cancer Syndrome; Tumor predisposition; Hereditary neoplastic syndrome. Identifiers: Orphanet 140162, MedGen C0027672, MeSH D009386, MONDO:0015356.

Allele frequency attached by ClinVar (database versions not stated): gnomAD exomes below 0.00001; TOPMed below 0.00001; ExAC 0.00001; gnomAD 0.00001; ESP Exome Variant Server 0.00008.
gnomAD v4.1: 1 of 1,612,484 alleles (0.000062%); highest among the groups gnomAD compares: Non-Finnish European, 0.000085%; no homozygotes.

Submissions (2):

Labcorp Genetics (formerly Invitae), Labcorp
Classification: Uncertain significance for Familial cancer of breast; Fanconi anemia complementation group J. Last evaluated: 2025-05-14. Review status: criteria provided, single submitter. Criteria: Invitae Variant Classification Sherloc (09022015). Collection method: clinical testing. Allele origin: germline.
Comment: This sequence change falls in intron 19 of the BRIP1 gene. It does not directly change the encoded amino acid sequence of the BRIP1 protein. It affects a nucleotide within the consensus splice site. This variant is present in population databases (rs370819200, gnomAD 0.0009%). This variant has not been reported in the literature in individuals affected with BRIP1-related conditions. ClinVar contains an entry for this variant (Variation ID: 1463514). Variants that disrupt the consensus splice site are a relatively common cause of aberrant splicing (PMID: 17576681, 9536098). Algorithms developed to predict the effect of sequence changes on RNA splicing suggest that this variant may disrupt the consensus splice site. In summary, the available evidence is currently insufficient to determine the role of this variant in disease. Therefore, it has been classified as a Variant of Uncertain Significance.

Ambry Genetics
Classification: Uncertain significance for Hereditary cancer-predisposing syndrome. Last evaluated: 2024-04-11. Review status: criteria provided, single submitter. Criteria: Ambry Variant Classification Scheme 2023. Collection method: clinical testing. Allele origin: germline.
Comment: The c.2906-3T>A intronic variant results from a T to A substitution 3 nucleotides before coding exon 19 in the BRIP1 gene. This nucleotide position is well conserved in available vertebrate species. In silico splice site analysis for this alteration is inconclusive, and direct evidence is insufficient at this time (Ambry internal data). Since supporting evidence is limited at this time, the clinical significance of this alteration remains unclear.

Literature cited by the submitters: PubMed 17576681 (cited by Labcorp Genetics (formerly Invitae), Labcorp); PubMed 9536098 (cited by Labcorp Genetics (formerly Invitae), Labcorp).